The following is an entry in ClinVar:

NM_001378454.1(ALMS1):c.4254G>A (p.Lys1418=)

Gene: ALMS1 (ALMS1 centrosome and basal body associated protein; plus strand). Cytogenetic location: 2p13.1.
Variant type: single nucleotide variant.
Coding change: c.4254G>A on transcript NM_001378454.1 (MANE Select); coding-DNA position 4254, G replaced by A.
Protein change: p.Lys1418=; no amino-acid change (lysine 1418 retained).
Molecular consequence: synonymous variant.
Genome position (GRCh38, 1-based): chr2:73,450,781, G>A. VCF-style: chr2-73450781-G-A. GRCh37 (hg19) VCF-style: chr2-73677908-G-A.
Other names: c.4257G>A, p.Lys1419= (NM_015120.4).
Identifiers: ClinVar variation 1547255 (VCV001547255.9), dbSNP rs1409007880, ClinGen allele CA427020888.
Genomic context (GRCh38, chr2:73,450,781, plus strand): 5'-TAGTCATCTAACTGAAGAGGCTAAGAACGTTTCAGCGGTTCCTGGACCAGGTGACCGGAA[G>A]ACTGGGATACCAACTTTACCCTCTACTTTCTACTCACACACAGAGAAGCCTGGTAGTTTC-3'
Protein context (NP_001365383.1, residues 1408-1428): VSAVPGPGDR[Lys1418=]TGIPTLPSTF

ClinVar aggregate classification (germline): Likely benign. Review status: criteria provided, multiple submitters, no conflicts (2 of 4 stars). 2 submissions from 2 submitters: Likely benign (2). Last evaluated 2026-06-16.

Conditions:
Alstrom syndrome (ALMS). Identifiers: Orphanet 64, MedGen C0268425, MONDO:0008763, OMIM 203800.
ALMS1-related disorder. Also called: ALMS1-related condition.

Allele frequency attached by ClinVar (database versions not stated): TOPMed below 0.00001; gnomAD 0.00001; gnomAD exomes below 0.00001.

Submissions (2):

PreventionGenetics, part of Exact Sciences
Classification: Likely benign for ALMS1-related condition. Last evaluated: 2026-06-16. Review status: criteria provided, single submitter. Criteria: ACMG Guidelines, 2015. Collection method: clinical testing. Allele origin: germline.
Comment: This variant is classified as likely benign based on ACMG/AMP sequence variant interpretation guidelines (Richards et al. 2015 PMID: 25741868, with internal and published modifications).

Labcorp Genetics (formerly Invitae), Labcorp
Classification: Likely benign for Alstrom syndrome. Last evaluated: 2022-11-19. Review status: criteria provided, single submitter. Criteria: Invitae Variant Classification Sherloc (09022015). Collection method: clinical testing. Allele origin: germline.